The following is an entry in ClinVar:

ClinVar aggregate classification (germline): Benign (1 of 4 stars; one submission).

Conditions:
Congenital fibrosis of extraocular muscles type 1. Also called: OPHTHALMOPLEGIA, CONGENITAL; FEOM1 LOCUS; BLEPHAROPTOSIS WITH ABSENT EYE MOVEMENTS; CFEOM3B. Identifiers: MedGen C1851102, MONDO:0021083, OMIM 135700.

Allele frequency attached by ClinVar (database versions not stated): ESP Exome Variant Server 0.00008; gnomAD exomes 0.00021 and 0.00015; gnomAD 0.00016 and 0.00017; 1000 Genomes Project 30x 0.00031; ExAC 0.00025; TOPMed 0.00022.
gnomAD v4.1: 322 of 1,591,524 alleles (0.02%); highest among the groups gnomAD compares: Non-Finnish European, 0.025%; no homozygotes.

Submission:

Illumina Laboratory Services, Illumina
Classification: Benign for Congenital fibrosis of extraocular muscles type 1. Last evaluated: 2018-01-13. Review status: criteria provided, single submitter. Criteria: ICSL Variant Classification Criteria 13 December 2019. Collection method: clinical testing. Allele origin: germline.
Comment: This variant was observed in the ICSL laboratory as part of a predisposition screen in an ostensibly healthy population. It had not been previously curated by ICSL or reported in the Human Gene Mutation Database (HGMD: prior to June 1st, 2018), and was therefore a candidate for classification through an automated scoring system. Utilizing variant allele frequency, disease prevalence and penetrance estimates, and inheritance mode, an automated score was calculated to assess if this variant is too frequent to cause the disease. Based on the score and internal cut-off values, a variant classified as benign is not then subjected to further curation. The score for this variant resulted in a classification of benign for this disease.

NM_001173464.2(KIF21A):c.1804-15C>T

Gene: KIF21A (kinesin family member 21A; minus strand). Cytogenetic location: 12q12.
Variant type: single nucleotide variant.
Coding change: c.1804-15C>T on transcript NM_001173464.2 (MANE Select); 15 bases into the intron before coding-DNA position 1804, C replaced by T.
Molecular consequence: intron variant.
Genome position (GRCh38, 1-based): chr12:39,341,637, G>A on the plus strand (C>T on the coding strand, the complement: KIF21A is on the minus strand). VCF-style: chr12-39341637-G-A. GRCh37 (hg19) VCF-style: chr12-39735439-G-A.
Other names: c.1765-15C>T (NM_001173465.2, NM_001173463.2, NM_017641.4 and 1 more transcripts); c.1804-15C>T (NM_001378440.1, NM_001378439.1).
Identifiers: ClinVar variation 882672 (VCV000882672.4), dbSNP rs376342352, ClinGen allele CA6510922.
Genomic context (GRCh38, chr12:39,341,637, plus strand): 5'-CCTCCTCTTCTTCATCCTCATGATCACTCACTTCTTGACTTTCTTCCTAAAATGTGATTT[G>A]TAAAAATTAATAGCACAATATTGGCAAAACAAACTGACTCCCTCATTGAGAGAGGCTGCT-3'